The following is an entry in ClinVar:

ClinVar aggregate classification (germline): Likely pathogenic (1 of 4 stars; one submission).

Conditions:
Susceptibility to severe COVID-19.

Submission:

Molecular Medicine Center, Medical University of Sofia
Classification: Likely pathogenic for Susceptibility to severe COVID-19. Last evaluated: 2024-07-22. Review status: criteria provided, single submitter. Criteria: ACMG Guidelines, 2015. Collection method: research. Allele origin: germline. Affected: yes.
Comment: Novel (unreported in gnomAD or dbSNP until April 2024) variant found in severely infected COVID-19 Bulgarian patients in a research study. Variant is classified as likely pathogenic according to the ACMG criteria: PM2,PVS1.

NM_002123.5(HLA-DQB1):c.370_379+2del

Gene: HLA-DQB1 (major histocompatibility complex, class II, DQ beta 1; minus strand). Cytogenetic location: 6p21.32.
Variant type: Deletion.
Coding change: c.370_379+2del on transcript NM_002123.5 (MANE Select); coding-DNA position 370 through the canonical splice donor site of the intron after coding-DNA position 379, 12 bases deleted (CAGAGGAGAGGT).
Molecular consequence: splice donor variant.
Genome position (GRCh38, 1-based): chr6:32,664,796-32,664,807, ACCTCTCCTCTG deleted on the plus strand (CAGAGGAGAGGT on the coding strand, the reverse complement: HLA-DQB1 is on the minus strand). VCF-style (leftmost placement, unchanged base first): chr6-32664795-CACCTCTCCTCTG-C. GRCh37 (hg19) VCF-style: chr6-32632572-CACCTCTCCTCTG-C.
Other names: c.370_379+2del (NM_001243961.2); c.370_379+2delCAGAGGAGAGGT (NM_002123.5).
Identifiers: ClinVar variation 3256932 (VCV003256932.1).